The following is an entry in ClinVar:

NM_000160.5(GCGR):c.657+10C>T

Gene: GCGR (glucagon receptor; plus strand). Cytogenetic location: 17q25.3.
Variant type: single nucleotide variant.
Coding change: c.657+10C>T on transcript NM_000160.5 (MANE Select); 10 bases into the intron after coding-DNA position 657, C replaced by T.
Molecular consequence: intron variant.
Genome position (GRCh38, 1-based): chr17:81,811,570, C>T. VCF-style: chr17-81811570-C-T. GRCh37 (hg19) VCF-style: chr17-79769446-C-T.
Other names: c.657+10C>T (NM_000160.4).
Identifiers: ClinVar variation 2155363 (VCV002155363.6), dbSNP rs771987875, ClinGen allele CA295100179.

ClinVar aggregate classification (germline): Likely benign. Review status: criteria provided, single submitter (1 of 4 stars). 2 submissions from 2 submitters: Likely benign (1). 1 of the submissions does not count toward it. Last evaluated 2025-12-24.

Conditions:
GCGR-related disorder. Also called: GCGR-related condition.

Allele frequency attached by ClinVar (database versions not stated): TOPMed 0.00001; gnomAD 0.00002.

Submissions (2):

Labcorp Genetics (formerly Invitae), Labcorp
Classification: Likely benign. Last evaluated: 2025-12-24. Review status: criteria provided, single submitter. Criteria: Invitae Variant Classification Sherloc (09022015). Collection method: clinical testing. Allele origin: germline.

PreventionGenetics, part of Exact Sciences
Classification: Likely benign for GCGR-related condition. Last evaluated: 2019-03-11. Review status: no assertion criteria provided. Collection method: clinical testing. Allele origin: germline. Not counted in ClinVar's aggregate classification.
Comment: This variant is classified as likely benign based on ACMG/AMP sequence variant interpretation guidelines (Richards et al. 2015 PMID: 25741868, with internal and published modifications).